The following is an entry in ClinVar:

ClinVar aggregate classification (germline): Uncertain significance (1 of 4 stars; one submission).

Allele frequency attached by ClinVar (database versions not stated): gnomAD exomes below 0.00001 and 0.00001; ExAC 0.00001; 1000 Genomes Project 30x 0.00016; 1000 Genomes Project 0.00020.
gnomAD v4.1: 9 of 1,612,982 alleles (0.00056%); highest among the groups gnomAD compares: East Asian, 0.0045%; no homozygotes.

Submission:

GeneDx
Classification: Uncertain significance. Last evaluated: 2019-08-26. Review status: criteria provided, single submitter. Criteria: GeneDx Variant Classification Process June 2021. Collection method: clinical testing. Allele origin: germline. Affected: yes.
Comment: Not observed at a significant frequency in large population cohorts (Lek et al., 2016); Missense variant in a gene in which most reported pathogenic variants are truncating/loss-of-function; Has not been previously published as pathogenic or benign to our knowledge

NM_001267550.2(TTN):c.52928G>A (p.Arg17643Gln)

Genes: TTN (titin; minus strand), TTN-AS1 (TTN antisense RNA 1; plus strand), LOC126806425 (BRD4-independent group 4 enhancer GRCh37_chr2:179471933-179473132; plus strand). Cytogenetic location: 2q31.2.
Variant type: single nucleotide variant.
Coding change: c.52928G>A on transcript NM_001267550.2 (MANE Select); coding-DNA position 52928, G replaced by A.
Protein change: p.Arg17643Gln; replaces arginine 17643 with glutamine.
Molecular consequence: missense variant.
Genome position (GRCh38, 1-based): chr2:178,607,859, C>T on the plus strand (G>A on the coding strand, the complement: TTN is on the minus strand). VCF-style: chr2-178607859-C-T. GRCh37 (hg19) VCF-style: chr2-179472586-C-T.
Other names: c.48005G>A, p.Arg16002Gln (NM_001256850.1); c.25733G>A, p.Arg8578Gln (NM_003319.4); c.45224G>A, p.Arg15075Gln (NM_133378.4); c.26108G>A, p.Arg8703Gln (NM_133432.3); c.26309G>A, p.Arg8770Gln (NM_133437.4); short protein forms R15075Q, R16002Q, R17643Q, R8578Q, R8703Q, R8770Q.
Identifiers: ClinVar variation 1309794 (VCV001309794.2), dbSNP rs571636340, ClinGen allele CA1993902.